The following is an entry in ClinVar:

ClinVar aggregate classification (germline): Uncertain significance. Review status: criteria provided, multiple submitters, no conflicts (2 of 4 stars). 5 submissions from 5 submitters: Uncertain significance (5). Last evaluated 2026-01-13.

Conditions:
Pheochromocytoma. Also called: MAX-Related Hereditary Paraganglioma-Pheochromocytoma Syndrome. Identifiers: Orphanet 29072, MedGen C0031511, MONDO:0008233, OMIM 171300, HP:0002666.
Pheochromocytoma/paraganglioma syndrome 4. Also called: SDHB-Related Hereditary Paraganglioma-Pheochromocytoma Syndrome (Paragangliomas 4); CAROTID BODY TUMORS AND MULTIPLE EXTRAADRENAL PHEOCHROMOCYTOMAS; PARAGANGLIOMA, FAMILIAL MALIGNANT; PARAGANGLIOMAS, HEREDITARY EXTRAADRENAL; SDHB-Related Hereditary Paraganglioma-Pheochromocytoma Syndrome; PHEOCHROMOCYTOMA, FAMILIAL EXTRAADRENAL. Identifiers: Orphanet 29072, MedGen C1861848, MONDO:0007273, OMIM 115310.
Gastrointestinal stromal tumor. Also called: Gastrointestinal stroma tumor; Gastrointestinal stromal tumor, somatic. Identifiers: Orphanet 44890, MedGen C0238198, MeSH D046152, MONDO:0011719, OMIM 606764, HP:0100723.
Hereditary cancer-predisposing syndrome. Also called: Tumor predisposition; Hereditary neoplastic syndrome; Neoplastic Syndromes, Hereditary; Hereditary Cancer Syndrome. Identifiers: Orphanet 140162, MedGen C0027672, MeSH D009386, MONDO:0015356.
Hereditary pheochromocytoma and paraganglioma. Also called: Hereditary Paraganglioma-Pheochromocytoma Syndromes; Hereditary paragangliomas and pheochromocytomas; Hereditary pheochromocytoma-paraganglioma. Identifiers: Orphanet 29072, MedGen C4274332, MONDO:0017366.

Allele frequency attached by ClinVar (database versions not stated): ExAC 0.00001; gnomAD 0.00001; gnomAD exomes 0.00001 and 0.00002; TOPMed 0.00002.
gnomAD v4.1: 18 of 1,610,618 alleles (0.0011%); highest among the groups gnomAD compares: Non-Finnish European, 0.0013%; no homozygotes.

Submissions (5):

Labcorp Genetics (formerly Invitae), Labcorp
Classification: Uncertain significance for Gastrointestinal stromal tumor; Pheochromocytoma/paraganglioma syndrome 4; Pheochromocytoma. Last evaluated: 2026-01-13. Review status: criteria provided, single submitter. Criteria: Invitae Variant Classification Sherloc (09022015). Collection method: clinical testing. Allele origin: germline.
Comment: This sequence change replaces valine, which is neutral and non-polar, with glycine, which is neutral and non-polar, at codon 5 of the SDHB protein (p.Val5Gly). This variant is present in population databases (rs760565241, gnomAD 0.004%). This missense change has been observed in individual(s) with pheochromocytoma (PMID: 28229225). ClinVar contains an entry for this variant (Variation ID: 459136). Invitae Evidence Modeling of protein sequence and biophysical properties (such as structural, functional, and spatial information, amino acid conservation, physicochemical variation, residue mobility, and thermodynamic stability) indicates that this missense variant is not expected to disrupt SDHB protein function with a negative predictive value of 95%. In summary, the available evidence is currently insufficient to determine the role of this variant in disease. Therefore, it has been classified as a Variant of Uncertain Significance.

Color Diagnostics, LLC DBA Color Health
Classification: Uncertain significance for Hereditary pheochromocytoma and paraganglioma. Last evaluated: 2025-06-23. Review status: criteria provided, single submitter. Criteria: ACMG Guidelines, 2015. Collection method: clinical testing. Allele origin: germline.
Comment: This missense variant replaces valine with glycine at codon 5 of the SDHB protein. Computational prediction is inconclusive regarding the impact of this variant on protein structure and function. To our knowledge, functional studies have not been reported for this variant. This variant has been reported in an individual affected with pheochromocytoma in the literature (PMID: 28229225). This variant has been identified in 5/271686 chromosomes in the general population by the Genome Aggregation Database (gnomAD). The available evidence is insufficient to determine the role of this variant in disease conclusively. Therefore, this variant is classified as a Variant of Uncertain Significance.

Ambry Genetics
Classification: Uncertain significance for Hereditary cancer-predisposing syndrome. Last evaluated: 2025-02-28. Review status: criteria provided, single submitter. Criteria: Ambry Variant Classification Scheme 2023. Collection method: clinical testing. Allele origin: germline.
Comment: The p.V5G variant (also known as c.14T>G), located in coding exon 1 of the SDHB gene, results from a T to G substitution at nucleotide position 14. The valine at codon 5 is replaced by glycine, an amino acid with dissimilar properties. In one study, this alteration was detected in 1/48 pheochromocytoma patients; this patient's tumor demonstrated intact SDHB staining on immunohistochemistry (Maignan A et al. Langenbecks Arch Surg, 2017 Aug;402:787-798). This amino acid position is not well conserved in available vertebrate species. In addition, the in silico prediction by BayesDel for this alteration is inconclusive. Based on the available evidence, the clinical significance of this alteration remains unclear.

GeneDx
Classification: Uncertain significance. Last evaluated: 2025-02-27. Review status: criteria provided, single submitter. Criteria: GeneDx Variant Classification Process June 2021. Collection method: clinical testing. Allele origin: germline. Affected: yes.
Comment: Not observed at significant frequency in large population cohorts (gnomAD); In silico analysis indicates that this missense variant does not alter protein structure/function; Observed in an individual with sporadic pheochromocytoma (PMID: 28229225); This variant is associated with the following publications: (PMID: 28229225)

Baylor Genetics
Classification: Uncertain significance for Gastrointestinal stromal tumor. Last evaluated: 2023-12-11. Review status: criteria provided, single submitter. Criteria: ACMG Guidelines, 2015. Collection method: clinical testing. Allele origin: unknown.

Literature cited by the submitters: PubMed 28229225 (cited by 3 submitters).

NM_003000.3(SDHB):c.14T>G (p.Val5Gly)

Gene: SDHB (succinate dehydrogenase complex iron sulfur subunit B; minus strand). Cytogenetic location: 1p36.13.
Variant type: single nucleotide variant.
Coding change: c.14T>G on transcript NM_003000.3 (MANE Select); coding-DNA position 14, T replaced by G.
Protein change: p.Val5Gly; replaces valine 5 with glycine.
Molecular consequence: missense variant.
Genome position (GRCh38, 1-based): chr1:17,054,006, A>C on the plus strand (T>G on the coding strand, the complement: SDHB is on the minus strand). VCF-style: chr1-17054006-A-C. GRCh37 (hg19) VCF-style: chr1-17380501-A-C.
Other names: short protein forms V5G.
Identifiers: ClinVar variation 459136 (VCV000459136.21), dbSNP rs760565241, ClinGen allele CA089519.